The following is an entry in ClinVar:

ClinVar aggregate classification (germline): Uncertain significance. Review status: criteria provided, multiple submitters, no conflicts (2 of 4 stars). 2 submissions from 2 submitters: Uncertain significance (2). Last evaluated 2024-10-30.

Conditions:
Autosomal recessive inherited pseudoxanthoma elasticum (PXE). Identifiers: Orphanet 758, MedGen CN032334, MONDO:0009925, OMIM 264800.

Allele frequency attached by ClinVar (database versions not stated): gnomAD exomes 0.00001; gnomAD 0.00001; TOPMed 0.00001.
gnomAD v4.1: 13 of 1,613,776 alleles (0.00081%); highest among the groups gnomAD compares: Non-Finnish European, 0.0011%; no homozygotes.

Submissions (2):

Labcorp Genetics (formerly Invitae), Labcorp
Classification: Uncertain significance. Last evaluated: 2024-10-30. Review status: criteria provided, single submitter. Criteria: Invitae Variant Classification Sherloc (09022015). Collection method: clinical testing. Allele origin: germline.
Comment: This sequence change falls in intron 16 of the ABCC6 gene. It does not directly change the encoded amino acid sequence of the ABCC6 protein. RNA analysis indicates that this variant induces altered splicing and may result in an absent or altered protein product. This variant is not present in population databases (gnomAD no frequency). This variant has been observed in individual(s) with pseudoxanthoma elasticum (PMID: 17617515). ClinVar contains an entry for this variant (Variation ID: 433399). Variants that disrupt the consensus splice site are a relatively common cause of aberrant splicing (PMID: 17576681, 9536098). Studies have shown that this variant results in skipping of exon 16, and produces a non-functional protein and/or introduces a premature termination codon (PMID: 34906475). In summary, the available evidence is currently insufficient to determine the role of this variant in disease. Therefore, it has been classified as a Variant of Uncertain Significance.

PXE International
Classification: Uncertain significance for Autosomal recessive inherited pseudoxanthoma elasticum. Last evaluated: 2021-03-01. Review status: criteria provided, single submitter. Criteria: Submitter's publication. Collection method: research. Allele origin: germline. Inheritance: Autosomal recessive inheritance. Affected: yes. Observed: 3 variant alleles. Clinical features observed: Abnormally lax or hyperextensible skin (HP:0008067), Angioid streaks of the fundus (HP:0001102), Retinal hemorrhage (HP:0000573), Intermittent claudication (HP:0004417), Myocardial infarction (HP:0001658), Papule (HP:0200034).

Literature cited by the submitters: PubMed 17617515 (cited by Labcorp Genetics (formerly Invitae), Labcorp); PubMed 17576681 (cited by Labcorp Genetics (formerly Invitae), Labcorp); PubMed 9536098 (cited by Labcorp Genetics (formerly Invitae), Labcorp); PubMed 34906475 (cited by Labcorp Genetics (formerly Invitae), Labcorp).

NM_001171.6(ABCC6):c.2070+5G>A

Gene: ABCC6 (ATP binding cassette subfamily C member 6; minus strand). Cytogenetic location: 16p13.11.
Variant type: single nucleotide variant.
Coding change: c.2070+5G>A on transcript NM_001171.6 (MANE Select); 5 bases into the intron after coding-DNA position 2070, G replaced by A.
Molecular consequence: intron variant.
Genome position (GRCh38, 1-based): chr16:16,182,799, C>T on the plus strand (G>A on the coding strand, the complement: ABCC6 is on the minus strand). VCF-style: chr16-16182799-C-T. GRCh37 (hg19) VCF-style: chr16-16276656-C-T.
Other names: c.1728+5G>A (NM_001351800.1).
Identifiers: ClinVar variation 433399 (VCV000433399.5), dbSNP rs72664208, ClinGen allele CA278648182.